The following is an entry in ClinVar:

NM_014339.7(IL17RA):c.791C>T (p.Ser264Phe)

Gene: IL17RA (interleukin 17 receptor A; plus strand). Cytogenetic location: 22q11.1.
Variant type: single nucleotide variant.
Coding change: c.791C>T on transcript NM_014339.7 (MANE Select); coding-DNA position 791, C replaced by T.
Protein change: p.Ser264Phe; replaces serine 264 with phenylalanine.
Molecular consequence: missense variant.
Genome position (GRCh38, 1-based): chr22:17,103,522, C>T. VCF-style: chr22-17103522-C-T. GRCh37 (hg19) VCF-style: chr22-17584412-C-T.
Other names: c.791C>T, p.Ser264Phe (NM_001289905.2); short protein forms S264F.
Identifiers: ClinVar variation 1023337 (VCV001023337.8), dbSNP rs2061399166, ClinGen allele CA410213517.

ClinVar aggregate classification (germline): Uncertain significance (1 of 4 stars; one submission).

Conditions:
Immunodeficiency 51 (IMD51). Also called: CANDIDIASIS, FAMILIAL, 5. Identifiers: Orphanet 1334, MedGen C4310803, MONDO:0013500, OMIM 613953.

Submission:

Labcorp Genetics (formerly Invitae), Labcorp
Classification: Uncertain significance for Immunodeficiency 51. Last evaluated: 2020-03-25. Review status: criteria provided, single submitter. Criteria: Invitae Variant Classification Sherloc (09022015). Collection method: clinical testing. Allele origin: germline.
Comment: This variant has not been reported in the literature in individuals with IL17RA-related conditions. This variant is not present in population databases (ExAC no frequency). This sequence change replaces serine with phenylalanine at codon 264 of the IL17RA protein (p.Ser264Phe). The serine residue is weakly conserved and there is a large physicochemical difference between serine and phenylalanine. Algorithms developed to predict the effect of missense changes on protein structure and function (SIFT, PolyPhen-2, Align-GVGD) all suggest that this variant is likely to be tolerated, but these predictions have not been confirmed by published functional studies and their clinical significance is uncertain. In summary, the available evidence is currently insufficient to determine the role of this variant in disease. Therefore, it has been classified as a Variant of Uncertain Significance.